The following is an entry in ClinVar:

NG_009873.1:g.(?_5000)_(160068_?)del

Genes: CREBBP (CREB binding lysine acetyltransferase; minus strand), LOC130058353 (ATAC-STARR-seq lymphoblastoid active region 10333; plus strand), LOC125146381 (Sharpr-MPRA regulatory region 6998; plus strand), LOC130058357 (ATAC-STARR-seq lymphoblastoid silent region 7141; plus strand), LOC130058358 (ATAC-STARR-seq lymphoblastoid silent region 7142; plus strand) and 4 more. Cytogenetic location: 16p13.3.
Variant type: Deletion.
Identifiers: ClinVar variation 375635 (VCV000375635.2).

ClinVar aggregate classification (germline): Pathogenic (1 of 4 stars; one submission).

Conditions:
Rubinstein-Taybi syndrome due to CREBBP mutations (RSTS1). Also called: BROAD THUMB-HALLUX SYNDROME; CREBBP-Related Rubinstein-Taybi Syndrome; Rubinstein-Taybi syndrome 1; RUBINSTEIN-TAYBI SYNDROME 1, INCOMPLETE; BROAD THUMBS AND GREAT TOES, CHARACTERISTIC FACIES, AND IMPAIRED INTELLECTUAL DEVELOPMENT; RUBINSTEIN SYNDROME. Identifiers: Orphanet 353277, Orphanet 783, MedGen C4551859, MONDO:0008393, OMIM 180849.

Submission:

Center of Genomic medicine, Geneva, University Hospital of Geneva
Classification: Pathogenic for Rubinstein-Taybi syndrome due to CREBBP mutations. Last evaluated: 2015-11-04. Review status: criteria provided, single submitter. Criteria: ACMG Guidelines, 2015. Collection method: clinical testing. Allele origin: germline. Affected: yes.

Literature cited by the submitters: PubMed 26486927.